The following is an entry in ClinVar:

NM_031220.4(PITPNM3):c.2771G>T (p.Arg924Leu)

Gene: PITPNM3 (PITPNM family member 3; minus strand). Cytogenetic location: 17p13.2.
Variant type: single nucleotide variant.
Coding change: c.2771G>T on transcript NM_031220.4 (MANE Select); coding-DNA position 2771, G replaced by T.
Protein change: p.Arg924Leu; replaces arginine 924 with leucine.
Molecular consequence: missense variant.
Genome position (GRCh38, 1-based): chr17:6,455,492, C>A on the plus strand (G>T on the coding strand, the complement: PITPNM3 is on the minus strand). VCF-style: chr17-6455492-C-A. GRCh37 (hg19) VCF-style: chr17-6358812-C-A.
Other names: c.2663G>T, p.Arg888Leu (NM_001165966.2); short protein forms R888L, R924L.
Identifiers: ClinVar variation 1485297 (VCV001485297.8), dbSNP rs774633412, ClinGen allele CA8329020.

ClinVar aggregate classification (germline): Uncertain significance (1 of 4 stars; one submission).

Allele frequency attached by ClinVar (database versions not stated): gnomAD exomes below 0.00001; ExAC 0.00001.

Submission:

Labcorp Genetics (formerly Invitae), Labcorp
Classification: Uncertain significance. Last evaluated: 2024-02-23. Review status: criteria provided, single submitter. Criteria: Invitae Variant Classification Sherloc (09022015). Collection method: clinical testing. Allele origin: germline.
Comment: This sequence change replaces arginine, which is basic and polar, with leucine, which is neutral and non-polar, at codon 924 of the PITPNM3 protein (p.Arg924Leu). This variant is present in population databases (rs774633412, gnomAD 0.006%). This variant has not been reported in the literature in individuals affected with PITPNM3-related conditions. ClinVar contains an entry for this variant (Variation ID: 1485297). Advanced modeling of protein sequence and biophysical properties (such as structural, functional, and spatial information, amino acid conservation, physicochemical variation, residue mobility, and thermodynamic stability) performed at Invitae indicates that this missense variant is not expected to disrupt PITPNM3 protein function with a negative predictive value of 80%. In summary, the available evidence is currently insufficient to determine the role of this variant in disease. Therefore, it has been classified as a Variant of Uncertain Significance.